The following is an entry in ClinVar:

ClinVar aggregate classification (germline): Pathogenic (1 of 4 stars; one submission).

Allele frequency attached by ClinVar (database versions not stated): gnomAD 0.00001; TOPMed 0.00001; gnomAD exomes 0.00002.

Submission:

Labcorp Genetics (formerly Invitae), Labcorp
Classification: Pathogenic. Last evaluated: 2023-10-30. Review status: criteria provided, single submitter. Criteria: Invitae Variant Classification Sherloc (09022015). Collection method: clinical testing. Allele origin: germline.
Comment: This sequence change creates a premature translational stop signal (p.Thr177Alafs*160) in the CYP27B1 gene. It is expected to result in an absent or disrupted protein product. Loss-of-function variants in CYP27B1 are known to be pathogenic (PMID: 9837822, 17488797). This variant is present in population databases (no rsID available, gnomAD 0.0009%). This variant has not been reported in the literature in individuals affected with CYP27B1-related conditions. For these reasons, this variant has been classified as Pathogenic.

Literature cited by the submitters: PubMed 9837822; PubMed 17488797.

NM_000785.4(CYP27B1):c.516_528dup (p.Thr177fs)

Gene: CYP27B1 (cytochrome P450 family 27 subfamily B member 1; minus strand). Cytogenetic location: 12q14.1.
Variant type: Duplication.
Coding change: c.516_528dup on transcript NM_000785.4 (MANE Select); coding-DNA positions 516 to 528, 13 bases duplicated (GCGGGGACGTGGC).
Protein change: p.Thr177fs; shifts the reading frame from threonine 177.
Molecular consequence: frameshift variant.
Genome position (GRCh38, 1-based): chr12:57,765,358-57,765,370, GCCACGTCCCCGC duplicated on the plus strand (GCGGGGACGTGGC on the coding strand, the reverse complement: CYP27B1 is on the minus strand). VCF-style (leftmost placement, unchanged base first): chr12-57765357-T-TGCCACGTCCCCGC. GRCh37 (hg19) VCF-style: chr12-58159140-T-TGCCACGTCCCCGC.
Other names: short protein forms T177fs.
Identifiers: ClinVar variation 2908863 (VCV002908863.3), dbSNP rs1459636120, ClinGen allele CA605706879.